The following is an entry in ClinVar:

ClinVar aggregate classification (germline): Uncertain significance (1 of 4 stars; one submission).

Submission:

Labcorp Genetics (formerly Invitae), Labcorp
Classification: Uncertain significance. Last evaluated: 2023-06-15. Review status: criteria provided, single submitter. Criteria: Invitae Variant Classification Sherloc (09022015). Collection method: clinical testing. Allele origin: germline.
Comment: This sequence change replaces proline, which is neutral and non-polar, with serine, which is neutral and polar, at codon 2280 of the COL7A1 protein (p.Pro2280Ser). This variant is not present in population databases (gnomAD no frequency). This variant has not been reported in the literature in individuals affected with COL7A1-related conditions. ClinVar contains an entry for this variant (Variation ID: 2039115). Advanced modeling of protein sequence and biophysical properties (such as structural, functional, and spatial information, amino acid conservation, physicochemical variation, residue mobility, and thermodynamic stability) has been performed at Invitae for this missense variant, however the output from this modeling did not meet the statistical confidence thresholds required to predict the impact of this variant on COL7A1 protein function. In summary, the available evidence is currently insufficient to determine the role of this variant in disease. Therefore, it has been classified as a Variant of Uncertain Significance.

NM_000094.4(COL7A1):c.6838C>T (p.Pro2280Ser)

Gene: COL7A1 (collagen type VII alpha 1 chain; minus strand). Cytogenetic location: 3p21.31.
Variant type: single nucleotide variant.
Coding change: c.6838C>T on transcript NM_000094.4 (MANE Select); coding-DNA position 6838, C replaced by T.
Protein change: p.Pro2280Ser; replaces proline 2280 with serine.
Molecular consequence: missense variant.
Genome position (GRCh38, 1-based): chr3:48,572,733, G>A on the plus strand (C>T on the coding strand, the complement: COL7A1 is on the minus strand). VCF-style: chr3-48572733-G-A. GRCh37 (hg19) VCF-style: chr3-48610166-G-A.
Other names: short protein forms P2280S.
Identifiers: ClinVar variation 2039115 (VCV002039115.4), dbSNP rs1439779076, ClinGen allele CA352653266.